The following is an entry in ClinVar:

NC_000002.11:g.(?_149216328)_(149221508_?)dup

Gene: MBD5 (methyl-CpG binding domain protein 5; plus strand). Cytogenetic location: 2q23.1.
Variant type: Duplication.
Identifiers: ClinVar variation 2426461 (VCV002426461.5).

ClinVar aggregate classification (germline): Pathogenic (1 of 4 stars; one submission).

Conditions:
Intellectual developmental disorder, autosomal dominant 1. Also called: Intellectual disability, autosomal dominant 1; MBD5 Haploinsufficiency. Identifiers: Orphanet 228402, MedGen C1969562, MONDO:0007974, OMIM 156200.

Submission:

Labcorp Genetics (formerly Invitae), Labcorp
Classification: Pathogenic for Intellectual developmental disorder, autosomal dominant 1. Last evaluated: 2022-02-19. Review status: criteria provided, single submitter. Criteria: Invitae Variant Classification Sherloc (09022015). Collection method: clinical testing. Allele origin: germline.
Comment: For these reasons, this variant has been classified as Pathogenic. A similar copy number variant has been observed in individual(s) with clinical features of MBD5-related conditions (Invitae). In at least one individual the variant was observed to be de novo. This variant results in a copy number gain of the genomic region encompassing exon(s) 6-8 of the MBD5 gene. This region includes the initiator codon of the gene. This copy number gain extends beyond the assayed region for this gene and therefore may encompass additional genes. As the precise location of this event is unknown, it may be in tandem or it may be located elsewhere in the genome.